The following is an entry in ClinVar:

NM_006087.4(TUBB4A):c.102C>T (p.Gly34=)

Gene: TUBB4A (tubulin beta 4A class IVa; minus strand). Cytogenetic location: 19p13.3.
Variant type: single nucleotide variant.
Coding change: c.102C>T on transcript NM_006087.4 (MANE Select); coding-DNA position 102, C replaced by T.
Protein change: p.Gly34=; no amino-acid change (glycine 34 retained).
Molecular consequence: synonymous variant. On other transcripts: 5 prime UTR variant (2).
Genome position (GRCh38, 1-based): chr19:6,501,579, G>A on the plus strand (C>T on the coding strand, the complement: TUBB4A is on the minus strand). VCF-style: chr19-6501579-G-A. GRCh37 (hg19) VCF-style: chr19-6501590-G-A.
Other names: c.255C>T, p.Gly85= (NM_001289123.2); c.237C>T, p.Gly79= (NM_001289127.2); c.102C>T, p.Gly34= (NM_001289129.2); c.-115C>T (NM_001289130.2, NM_001289131.2).
Identifiers: ClinVar variation 2819392 (VCV002819392.3), dbSNP rs765284619, ClinGen allele CA403594221.

ClinVar aggregate classification (germline): Uncertain significance (1 of 4 stars; one submission).

Conditions:
Leukodystrophy, hypomyelinating, 6. Also called: LEUKODYSTROPHY, HYPOMYELINATING, WITH ATROPHY OF THE BASAL GANGLIA AND CEREBELLUM; TUBB4A-Associated Leukodystrophy; Hypomyelination with Atrophy of Basal Ganglia and Cerebellum (H-ABC). Identifiers: Orphanet 139441, MedGen C2676244, MONDO:0012905, OMIM 612438.

Submission:

Labcorp Genetics (formerly Invitae), Labcorp
Classification: Uncertain significance for Leukodystrophy, hypomyelinating, 6. Last evaluated: 2024-02-23. Review status: criteria provided, single submitter. Criteria: Invitae Variant Classification Sherloc (09022015). Collection method: clinical testing. Allele origin: germline.
Comment: This sequence change affects codon 34 of the TUBB4A mRNA. It is a 'silent' change, meaning that it does not change the encoded amino acid sequence of the TUBB4A protein. This variant is not present in population databases (gnomAD no frequency). This variant has not been reported in the literature in individuals affected with TUBB4A-related conditions. Algorithms developed to predict the effect of sequence changes on RNA splicing suggest that this variant may disrupt the consensus splice site. In summary, the available evidence is currently insufficient to determine the role of this variant in disease. Therefore, it has been classified as a Variant of Uncertain Significance.